The following is an entry in ClinVar:

ClinVar aggregate classification (germline): Uncertain significance. Review status: criteria provided, multiple submitters, no conflicts (2 of 4 stars). 4 submissions from 4 submitters: Uncertain significance (4). Last evaluated 2024-12-07.

Conditions:
ITCH-related disorder. Also called: ITCH-related condition.
Syndromic multisystem autoimmune disease due to ITCH deficiency. Also called: AUTOIMMUNE DISEASE, MULTISYSTEM, WITH FACIAL DYSMORPHISM. Identifiers: Orphanet 228426, MedGen C3150649, MONDO:0013245, OMIM 613385.
Inborn genetic diseases. Identifiers: MedGen C0950123, MeSH D030342.

Allele frequency attached by ClinVar (database versions not stated): ExAC 0.00001; gnomAD exomes 0.00001 and 0.00002; gnomAD 0.00003 and 0.00046; ESP Exome Variant Server 0.00008; TOPMed 0.00058.
gnomAD v4.1: 88 of 1,613,656 alleles (0.0055%); highest among the groups gnomAD compares: Non-Finnish European, 0.0023%; 1 homozygote.

Submissions (4):

Ambry Genetics
Classification: Uncertain significance for Inborn genetic diseases. Last evaluated: 2024-12-07. Review status: criteria provided, single submitter. Criteria: Ambry Variant Classification Scheme 2023. Collection method: clinical testing. Allele origin: germline.

Department of Pathology and Laboratory Medicine, Sinai Health System
Classification: Uncertain significance for Syndromic multisystem autoimmune disease due to ITCH deficiency. Last evaluated: 2023-11-26. Review status: criteria provided, single submitter. Criteria: ACMG Guidelines, 2015. Collection method: research. Allele origin: germline.

PreventionGenetics, part of Exact Sciences
Classification: Uncertain significance for ITCH-related condition. Last evaluated: 2022-09-13. Review status: criteria provided, single submitter. Criteria: ACMG Guidelines, 2015. Collection method: clinical testing. Allele origin: germline.
Comment: The ITCH c.1246G>A variant is predicted to result in the amino acid substitution p.Val416Ile. To our knowledge, this variant has not been reported in the literature. This variant is reported in 0.0018% of alleles in individuals of European (Non-Finnish) descent in gnomAD. At this time, the clinical significance of this variant is uncertain due to the absence of conclusive functional and genetic evidence.

Labcorp Genetics (formerly Invitae), Labcorp
Classification: Uncertain significance for Syndromic multisystem autoimmune disease due to ITCH deficiency. Last evaluated: 2021-09-14. Review status: criteria provided, single submitter. Criteria: Invitae Variant Classification Sherloc (09022015). Collection method: clinical testing. Allele origin: germline.
Comment: This sequence change replaces valine with isoleucine at codon 416 of the ITCH protein (p.Val416Ile). The valine residue is highly conserved and there is a small physicochemical difference between valine and isoleucine. This variant is present in population databases (rs373086001, ExAC 0.002%). This variant has not been reported in the literature in individuals affected with ITCH-related conditions. Algorithms developed to predict the effect of missense changes on protein structure and function are either unavailable or do not agree on the potential impact of this missense change (SIFT: "Not Available"; PolyPhen-2: "Benign"; Align-GVGD: "Not Available"). In summary, the available evidence is currently insufficient to determine the role of this variant in disease. Therefore, it has been classified as a Variant of Uncertain Significance.

NM_031483.7(ITCH):c.1246G>A (p.Val416Ile)

Gene: ITCH (itchy E3 ubiquitin protein ligase; plus strand). Cytogenetic location: 20q11.22.
Variant type: single nucleotide variant.
Coding change: c.1246G>A on transcript NM_031483.7 (MANE Select); coding-DNA position 1246, G replaced by A.
Protein change: p.Val416Ile; replaces valine 416 with isoleucine.
Molecular consequence: missense variant.
Genome position (GRCh38, 1-based): chr20:34,457,425, G>A. VCF-style: chr20-34457425-G-A. GRCh37 (hg19) VCF-style: chr20-33045230-G-A.
Other names: c.1369G>A, p.Val457Ile (NM_001257137.3, NM_001324197.2); c.916G>A, p.Val306Ile (NM_001257138.3); c.1246G>A, p.Val416Ile (NM_001324198.2); c.1246G>A (NM_031483.6, NM_031483.4); short protein forms V416I, V457I, V306I.
Identifiers: ClinVar variation 1424417 (VCV001424417.5), dbSNP rs373086001, ClinGen allele CA9821611.
Genomic context (GRCh38, chr20:34,457,425, plus strand): 5'-TCCCCTGCCCCTGCCCTTCCCAAAGAGAAGAGAACAGACAGCAATGGCAGAGTATATTTC[G>A]TCAACCACAACACACGAATTACACAATGGGAAGACCCCAGAAGTCAAGGGTAAGAATAGT-3'
Protein context (NP_113671.3, residues 406-426): RTDSNGRVYF[Val416Ile]NHNTRITQWE